The following is an entry in ClinVar:

NM_000287.4(PEX6):c.226_228delinsCTA (p.Val76Leu)

Gene: PEX6 (peroxisomal biogenesis factor 6; minus strand). Cytogenetic location: 6p21.1.
Variant type: Indel.
Coding change: c.226_228delinsCTA on transcript NM_000287.4 (MANE Select); coding-DNA positions 226 to 228, GTT replaced by CTA.
Protein change: p.Val76Leu; replaces valine 76 with leucine.
Molecular consequence: missense variant. On other transcripts: non-coding transcript variant (1).
Genome position (GRCh38, 1-based): chr6:42,978,923-42,978,925, AAC replaced by TAG on the plus strand (GTT replaced by CTA on the coding strand, the reverse complement: PEX6 is on the minus strand). VCF-style: chr6-42978923-AAC-TAG. GRCh37 (hg19) VCF-style: chr6-42946661-AAC-TAG.
Other names: c.226_228delinsCTA, p.Val76Leu (NM_001316313.2); short protein forms V76L.
Identifiers: ClinVar variation 3346012 (VCV003346012.1).

ClinVar aggregate classification (germline): Uncertain significance (0 of 4 stars; one submission).

Conditions:
PEX6-related disorder. Also called: PEX6-related condition; PEX6-related disorders.

Submission:

PreventionGenetics, part of Exact Sciences
Classification: Uncertain significance for PEX6-related condition. Last evaluated: 2024-04-12. Review status: no assertion criteria provided. Collection method: clinical testing. Allele origin: germline.
Comment: The PEX6 c.226_228delinsCTA variant is predicted to result in an in-frame deletion and insertion. To our knowledge, this variant has not been reported in the literature or in a large population database, indicating this variant is rare. At this time, the clinical significance of this variant is uncertain due to the absence of conclusive functional and genetic evidence.